The following is an entry in ClinVar:

ClinVar aggregate classification (germline): Uncertain significance. Review status: criteria provided, multiple submitters, no conflicts (2 of 4 stars). 2 submissions from 2 submitters: Uncertain significance (2). Last evaluated 2025-02-21.

Conditions:
Inborn genetic diseases. Identifiers: MedGen C0950123, MeSH D030342.

Allele frequency attached by ClinVar (database versions not stated): TOPMed below 0.00001.

Submissions (2):

Ambry Genetics
Classification: Uncertain significance for Inborn genetic diseases. Last evaluated: 2025-02-21. Review status: criteria provided, single submitter. Criteria: Ambry Variant Classification Scheme 2023. Collection method: clinical testing. Allele origin: germline.
Comment: The p.E1138K variant (also known as c.3412G>A), located in coding exon 16 of the MECOM gene, results from a G to A substitution at nucleotide position 3412. The glutamic acid at codon 1138 is replaced by lysine, an amino acid with similar properties. This amino acid position is conserved. In addition, this alteration is predicted to be tolerated by in silico analysis. Based on the available evidence, the clinical significance of this variant remains unclear.

Labcorp Genetics (formerly Invitae), Labcorp
Classification: Uncertain significance. Last evaluated: 2023-06-27. Review status: criteria provided, single submitter. Criteria: Invitae Variant Classification Sherloc (09022015). Collection method: clinical testing. Allele origin: germline.
Comment: An algorithm developed to predict the effect of missense changes on protein structure and function (PolyPhen-2) suggests that this variant is likely to be tolerated. This sequence change replaces glutamic acid, which is acidic and polar, with lysine, which is basic and polar, at codon 950 of the MECOM protein (p.Glu950Lys). This variant is not present in population databases (gnomAD no frequency). This variant has not been reported in the literature in individuals affected with MECOM-related conditions. In summary, the available evidence is currently insufficient to determine the role of this variant in disease. Therefore, it has been classified as a Variant of Uncertain Significance.

NM_004991.4(MECOM):c.3412G>A (p.Glu1138Lys)

Gene: MECOM (MDS1 and EVI1 complex locus; minus strand). Cytogenetic location: 3q26.2.
Variant type: single nucleotide variant.
Coding change: c.3412G>A on transcript NM_004991.4 (MANE Select); coding-DNA position 3412, G replaced by A.
Protein change: p.Glu1138Lys; replaces glutamic acid 1138 with lysine.
Molecular consequence: missense variant.
Genome position (GRCh38, 1-based): chr3:169,089,173, C>T on the plus strand (G>A on the coding strand, the complement: MECOM is on the minus strand). VCF-style: chr3-169089173-C-T. GRCh37 (hg19) VCF-style: chr3-168806961-C-T.
Other names: c.2824G>A, p.Glu942Lys (NM_001163999.2, NM_001366470.2); c.2821G>A, p.Glu941Lys (NM_001164000.2, NM_001366471.2, NM_001366472.2); c.2848G>A, p.Glu950Lys (NM_001205194.2, NM_001366469.2, NM_005241.4 and 1 more transcripts); c.3385G>A, p.Glu1129Lys (NM_001366466.2); c.2851G>A, p.Glu951Lys (NM_001366467.2, NM_001366468.2); c.2413G>A, p.Glu805Lys (NM_001366473.2); c.1849G>A, p.Glu617Lys (NM_001366474.2); c.3043G>A, p.Glu1015Lys (NM_001105077.4); and 1 more; short protein forms E1015K, E942K, E805K, E951K, E1129K, E950K, E1138K, E617K.
Identifiers: ClinVar variation 2717727 (VCV002717727.4), dbSNP rs1396514362, ClinGen allele CA355067565.